The following is an entry in ClinVar:

ClinVar aggregate classification (germline): Uncertain significance (1 of 4 stars; one submission).

Conditions:
Werner syndrome (WRN). Identifiers: Orphanet 902, MedGen C0043119, MONDO:0010196, OMIM 277700.

Submission:

Labcorp Genetics (formerly Invitae), Labcorp
Classification: Uncertain significance for Werner syndrome. Last evaluated: 2019-04-17. Review status: criteria provided, single submitter. Criteria: Invitae Variant Classification Sherloc (09022015). Collection method: clinical testing. Allele origin: germline.
Comment: This variant, c.953_955del, results in the deletion of 1 amino acid(s) of the WRN protein (p.Leu318del), but otherwise preserves the integrity of the reading frame. The frequency data for this variant in the population databases is considered unreliable, as metrics indicate poor data quality at this position in the ExAC database. This variant has not been reported in the literature in individuals with WRN-related conditions. Experimental studies and prediction algorithms are not available for this variant, and the functional significance of the affected amino acid(s) is currently unknown. In summary, the available evidence is currently insufficient to determine the role of this variant in disease. Therefore, it has been classified as a Variant of Uncertain Significance.

NM_000553.6(WRN):c.950TAT[1] (p.Leu318del)

Gene: WRN (WRN RecQ like helicase; plus strand). Cytogenetic location: 8p12.
Variant type: Microsatellite.
Coding change: c.950TAT[1] on transcript NM_000553.6 (MANE Select); one copy of the 3-base unit TAT starting at c.950; the reference has two copies in a row; one copy, 3 bases deleted.
Protein change: p.Leu318del; deletes leucine 318.
Molecular consequence: inframe deletion.
Genome position (GRCh38, 1-based): chr8:31,080,980-31,080,982, TAT deleted; deleting any 3 consecutive bases within chr8:31,080,976-31,080,982 gives the same sequence; the position shown is the placement nearest the transcript's 3' end. VCF-style (leftmost placement, unchanged base first): chr8-31080975-CTTA-C. GRCh37 (hg19) VCF-style: chr8-30938491-CTTA-C.
Other names: short protein forms L318del.
Identifiers: ClinVar variation 857490 (VCV000857490.6), dbSNP rs771474603, ClinGen allele CA4704227.